The following is an entry in ClinVar:

NM_002103.5(GYS1):c.1436C>T (p.Pro479Leu)

Gene: GYS1 (glycogen synthase 1; minus strand). Cytogenetic location: 19q13.33.
Variant type: single nucleotide variant.
Coding change: c.1436C>T on transcript NM_002103.5 (MANE Select); coding-DNA position 1436, C replaced by T.
Protein change: p.Pro479Leu; replaces proline 479 with leucine.
Molecular consequence: missense variant. On other transcripts: non-coding transcript variant (1).
Genome position (GRCh38, 1-based): chr19:48,974,326, G>A on the plus strand (C>T on the coding strand, the complement: GYS1 is on the minus strand). VCF-style: chr19-48974326-G-A. GRCh37 (hg19) VCF-style: chr19-49477583-G-A.
Other names: c.1244C>T, p.Pro415Leu (NM_001161587.2); short protein forms P479L, P415L.
Identifiers: ClinVar variation 643030 (VCV000643030.7), dbSNP rs144681053, ClinGen allele CA9562938.

ClinVar aggregate classification (germline): Uncertain significance. Review status: criteria provided, multiple submitters, no conflicts (2 of 4 stars). 2 submissions from 2 submitters: Uncertain significance (2). Last evaluated 2024-12-16.

Conditions:
Glycogen storage disease due to muscle and heart glycogen synthase deficiency. Also called: GSD 0b; MUSCLE GLYCOGEN SYNTHASE DEFICIENCY. Identifiers: Orphanet 137625, MedGen C1969054, MONDO:0012693, OMIM 611556.

Allele frequency attached by ClinVar (database versions not stated): ExAC 0.00004; gnomAD exomes 0.00004 and 0.00007; TOPMed 0.00006; gnomAD 0.00007; 1000 Genomes Project 0.00020; ESP Exome Variant Server 0.00023; 1000 Genomes Project 30x 0.00031.
gnomAD v4.1: 114 of 1,613,842 alleles (0.0071%); highest among the groups gnomAD compares: Non-Finnish European, 0.0089%; no homozygotes.

Submissions (2):

Labcorp Genetics (formerly Invitae), Labcorp
Classification: Uncertain significance for Glycogen storage disease due to muscle and heart glycogen synthase deficiency. Last evaluated: 2024-12-16. Review status: criteria provided, single submitter. Criteria: Invitae Variant Classification Sherloc (09022015). Collection method: clinical testing. Allele origin: germline.
Comment: This sequence change replaces proline, which is neutral and non-polar, with leucine, which is neutral and non-polar, at codon 479 of the GYS1 protein (p.Pro479Leu). This variant is present in population databases (rs144681053, gnomAD 0.009%). This variant has not been reported in the literature in individuals affected with GYS1-related conditions. ClinVar contains an entry for this variant (Variation ID: 643030). Invitae Evidence Modeling of protein sequence and biophysical properties (such as structural, functional, and spatial information, amino acid conservation, physicochemical variation, residue mobility, and thermodynamic stability) indicates that this missense variant is expected to disrupt GYS1 protein function with a positive predictive value of 80%. In summary, the available evidence is currently insufficient to determine the role of this variant in disease. Therefore, it has been classified as a Variant of Uncertain Significance.

Baylor Genetics
Classification: Uncertain significance for Glycogen storage disease due to muscle and heart glycogen synthase deficiency. Last evaluated: 2019-03-27. Review status: criteria provided, single submitter. Criteria: ACMG Guidelines, 2015. Collection method: clinical testing. Allele origin: maternal. Affected: yes.
Comment: This variant was determined to be of uncertain significance according to ACMG Guidelines, 2015 [PMID:25741868].